The following is an entry in ClinVar:

NM_000384.3(APOB):c.12798C>G (p.Ile4266Met)

Gene: APOB (apolipoprotein B; minus strand). Cytogenetic location: 2p24.1.
Variant type: single nucleotide variant.
Coding change: c.12798C>G on transcript NM_000384.3 (MANE Select); coding-DNA position 12798, C replaced by G.
Protein change: p.Ile4266Met; replaces isoleucine 4266 with methionine.
Molecular consequence: missense variant.
Genome position (GRCh38, 1-based): chr2:21,002,624, G>C on the plus strand (C>G on the coding strand, the complement: APOB is on the minus strand). VCF-style: chr2-21002624-G-C. GRCh37 (hg19) VCF-style: chr2-21225496-G-C.
Other names: short protein forms I4266M.
Identifiers: ClinVar variation 3885121 (VCV003885121.1).
Genomic context (GRCh38, chr2:21,002,624, plus strand): 5'-GGCTTTAAATACCTCTTGGGCTTCTTTTGATAAATCTTTCAACAGTTCCCTATACATCGA[G>C]ATTACATCTATTAGTTTATGTTTCCTTAACTCGAAAGGAAGTGTAATCACTAGGTCTTGG-3'
Protein context (NP_000375.3, residues 4256-4276): ELRKHKLIDV[Ile4266Met]SMYRELLKDL

ClinVar aggregate classification (germline): Uncertain significance (1 of 4 stars; one submission).

Conditions:
Cardiovascular phenotype. Identifiers: MedGen CN230736.

Submission:

Ambry Genetics
Classification: Uncertain significance for Cardiovascular phenotype. Last evaluated: 2025-01-04. Review status: criteria provided, single submitter. Criteria: Ambry Variant Classification Scheme 2023. Collection method: clinical testing. Allele origin: germline.
Comment: The p.I4266M variant (also known as c.12798C>G), located in coding exon 29 of the APOB gene, results from a C to G substitution at nucleotide position 12798. The isoleucine at codon 4266 is replaced by methionine, an amino acid with highly similar properties. This amino acid position is conserved. In addition, this alteration is predicted to be tolerated by in silico analysis. Based on the available evidence, the clinical significance of this variant remains unclear.